The following is an entry in ClinVar:

ClinVar aggregate classification (germline): Pathogenic/Likely pathogenic. Review status: criteria provided, multiple submitters, no conflicts (2 of 4 stars). 6 submissions from 6 submitters: Pathogenic (2); Likely pathogenic (3). 1 of the submissions does not count toward it. Last evaluated 2026-04-28.

Conditions:
Rare genetic deafness. Identifiers: Orphanet 96210, MedGen C5680250.
SLC26A4-related disorder. Also called: SLC26A4-related condition; SLC26A4-related disorders.
Pendred syndrome (PDS). Also called: Pendred's syndrome; THYROID DYSHORMONOGENESIS 2B; THYROID HORMONOGENESIS, GENETIC DEFECT IN, 2B; Pendred Syndrome (PDS); DEAFNESS WITH GOITER; GOITER-DEAFNESS SYNDROME. Identifiers: Orphanet 705, MedGen C0271829, MONDO:0010134, OMIM 274600.

Allele frequency attached by ClinVar (database versions not stated): gnomAD exomes below 0.00001; ExAC 0.00001.
gnomAD v4.1: 1 of 1,605,184 alleles (0.000062%); highest among the groups gnomAD compares: Admixed American, 0.0017%; no homozygotes.

Submissions (6):

PreventionGenetics, part of Exact Sciences
Classification: Likely pathogenic for SLC26A4-related condition. Last evaluated: 2026-04-28. Review status: criteria provided, single submitter. Criteria: ACMG Guidelines, 2015. Collection method: clinical testing. Allele origin: germline.
Comment: The SLC26A4 c.2215C>T variant is predicted to result in premature protein termination (p.Gln739*). To our knowledge, this variant has not been reported in the literature. This variant is reported in 0.0029% of alleles in individuals of Latino descent in gnomAD. Nonsense variants in SLC26A4 are expected to be pathogenic. This variant is interpreted as likely pathogenic.

Natera, Inc.
Classification: Likely pathogenic for Pendred syndrome. Last evaluated: 2025-09-22. Review status: criteria provided, single submitter. Criteria: Natera Variant Classification Schema (03/2026). Collection method: clinical testing. Allele origin: germline.
Comment: The c.2215C>T variant in SLC26A4 is a nonsense variant predicted to introduce a stop codon at amino acid 739. This variant is expected to result in nonsense mediated decay, truncation, or a dysfunctional protein product. This variant is rare in the general population with a frequency below the threshold expected for the associated phenotype(s). Given the available evidence, this variant is classified as Likely Pathogenic.

Labcorp Genetics (formerly Invitae), Labcorp
Classification: Pathogenic. Last evaluated: 2025-02-09. Review status: criteria provided, single submitter. Criteria: Invitae Variant Classification Sherloc (09022015). Collection method: clinical testing. Allele origin: germline.
Comment: This sequence change creates a premature translational stop signal (p.Gln739*) in the SLC26A4 gene. It is expected to result in an absent or disrupted protein product. Loss-of-function variants in SLC26A4 are known to be pathogenic (PMID: 16283880, 25394566, 26252218, 26445815). This variant is present in population databases (rs727503431, gnomAD 0.003%). This variant has not been reported in the literature in individuals affected with SLC26A4-related conditions. ClinVar contains an entry for this variant (Variation ID: 165265). For these reasons, this variant has been classified as Pathogenic.

Genome-Nilou Lab
Classification: Likely pathogenic for Pendred syndrome. Last evaluated: 2021-09-05. Review status: criteria provided, single submitter. Criteria: ACMG Guidelines, 2015. Collection method: clinical testing. Allele origin: germline. Affected: no.

Laboratory for Molecular Medicine, Mass General Brigham Personalized Medicine
Classification: Pathogenic for Rare genetic deafness. Last evaluated: 2014-04-04. Review status: criteria provided, single submitter. Criteria: LMM Criteria. Collection method: clinical testing. Allele origin: germline. Observed: 2 variant alleles.
Comment: The Gln739X variant in SLC26A4 has not been previously reported in individuals w ith hearing loss and was absent from large population studies. This nonsense var iant leads to a premature termination codon at position 739, which is predicted to lead to a truncated or absent protein. In summary, this variant meets our cri teria to be classified as pathogenic.

Counsyl
Classification: Likely pathogenic for Pendred syndrome. Last evaluated: 2016-06-21. Review status: no assertion criteria provided. Collection method: clinical testing. Allele origin: unknown. Not counted in ClinVar's aggregate classification.

Literature cited by the submitters: PubMed 16283880 (cited by Labcorp Genetics (formerly Invitae), Labcorp); PubMed 25394566 (cited by Labcorp Genetics (formerly Invitae), Labcorp); PubMed 26252218 (cited by Labcorp Genetics (formerly Invitae), Labcorp); PubMed 26445815 (cited by Labcorp Genetics (formerly Invitae), Labcorp).

NM_000441.2(SLC26A4):c.2215C>T (p.Gln739Ter)

Gene: SLC26A4 (solute carrier family 26 member 4; plus strand). Cytogenetic location: 7q22.3.
Variant type: single nucleotide variant.
Coding change: c.2215C>T on transcript NM_000441.2 (MANE Select); coding-DNA position 2215, C replaced by T.
Protein change: p.Gln739Ter; replaces glutamine 739 with a stop codon.
Molecular consequence: nonsense.
Genome position (GRCh38, 1-based): chr7:107,710,179, C>T. VCF-style: chr7-107710179-C-T. GRCh37 (hg19) VCF-style: chr7-107350624-C-T.
Other names: short protein forms Q739*.
Identifiers: ClinVar variation 165265 (VCV000165265.18), dbSNP rs727503431, ClinGen allele CA273228.
Genomic context (GRCh38, chr7:107,710,179, plus strand): 5'-TTTTTGACGGTCCATGATGCTATACTCTATCTACAGAACCAAGTGAAATCTCAAGAGGGT[C>T]AAGGTTCCATTTTAGAAACGGTAAATATTCAACCTTTCTACAGATGTATCTTTTCTAAAC-3'